The following continues an entry in ClinVar:

NM_000256.3(MYBPC3):c.1484G>A (p.Arg495Gln)

Gene: MYBPC3. ClinVar aggregate classification (germline): Likely pathogenic. Likely pathogenic (1).

Submissions 23 to 33 of 45:

Laboratory for Molecular Medicine, Mass General Brigham Personalized Medicine
Classification: Pathogenic for Hypertrophic cardiomyopathy. Last evaluated: 2022-03-23. Review status: criteria provided, single submitter. Criteria: ACMG Guidelines, 2015. Collection method: clinical testing. Allele origin: germline. Inheritance: Autosomal dominant inheritance. Not counted in ClinVar's aggregate classification.
Comment: The p.Arg495Gln variant in MYBPC3 has been reported in >20 individuals with HCM and segregated with disease in 5 affected relatives from 3 families (Niimura 1998 PMID: 9562578, Maron 2001 PMID: 11499718, Van Driest 2004 PMID: 15519027, Ehlermann 2008 PMID: 18957093, Fokstuen 2008 PMID: 18409188, Morita 2008 PMID: 18403758, Millat 2010 PMID: 20624503, Fokstuen 2011 PMID: 21239446, Brito 2012 PMID: 22857948, Lopes 2013 PMID: 23396983, Marsiglia 2013 PMID: 24093860, Kapplinger 2014 PMID: 24510615, Walsh 2017 PMID: 27532257, LMM data). However, multiple unaffected relatives from different families also carried this variant, at least 6 of whom were over the age of 50 (Brito 2012 PMID: 22857948, LMM data), suggesting reduced penetrance. This variant has also been reported by other clinical laboratories in ClinVar (Variation ID 164113) and has been identified in 0.005% (1/17974) of East Asian chromosomes and 0.004% (5/112974) of European chromosomes by gnomAD. Please note that for diseases with clinical variability or reduced penetrance, pathogenic variants may be present at a low frequency in the general population. In vitro functional studies suggest that carriers of this variant exhibit heightened expression of MYBPC3 as compared to controls, leading to an abundance of the mutant protein in cardiac tissue (Helms 2014 PMID: 25031304). However, it is unclear how this would impact cardiac function. Computation tools and conservation analysis are consistent with pathogenicity. In addition, 2 different amino acid changes at this position (p.Arg495Gly and p.Arg495Trp) have been reported in multiple individuals with HCM (Niimura 1998 PMID: 9562578, Maron 2001 PMID: 11499718, García-Castro 2009 PMID: 19150014, Martín 2009 PMID: 18713777, Rodríguez-García 2010 PMID: 20433692, Brito 2012 PMID: 22857948, Coto 2012 PMID: 22765922, Lopes 2013 PMID: 23396983), suggesting that changes at this position are not tolerated. In summary, this variant meets criteria to be classified as pathogenic for autosomal dominant HCM; however, it should be noted that penetrance may be reduced. ACMG/AMP Criteria applied: PS4, PM2_Supporting, PP1_Moderate, PP3, PM5_supporting.

Victorian Clinical Genetics Services, Murdoch Childrens Research Institute
Classification: Pathogenic for Hypertrophic cardiomyopathy 4. Last evaluated: 2022-02-02. Review status: criteria provided, single submitter. Criteria: ACMG Guidelines, 2015. Collection method: clinical testing. Allele origin: germline. Affected: yes. Not counted in ClinVar's aggregate classification.
Comment: Based on the classification scheme VCGS_Germline_v1.3.4, this variant is classified as Pathogenic. Following criteria are met: 0102 - Loss of function is a known mechanism of disease in this gene and is associated with hypertrophic cardiomyopathy 4 (HCM; MIM#115197). (I) 0108 - This gene is associated with both recessive and dominant disease. Dominant inheritance is frequently reported in adult onset conditions, however recessive inheritance results in a more severe early onset phenotype (OMIM). (I) 0115 - Variants in this gene are known to have variable expressivity (PMID: 32841044). (I) 0200 - Variant is predicted to result in a missense amino acid change from arginine to glutamine. (I) 0251 - This variant is heterozygous. (I) 0302 - Variant is present in gnomAD (v3) <0.001 for a dominant condition (7 heterozygotes, 0 homozygotes). (SP) 0309 - An alternative amino acid change at the same position has been observed in gnomAD (v2, v3) (1 heterozygote, 0 homozygotes). (I) 0502 - Missense variant with conflicting in silico predictions and uninformative conservation. (I) 0600 - Variant is located in the annotated immunoglobulin I-set domain (DECIPHER). (I) 0701 - Other missense variants comparable to the one identified in this case have very strong previous evidence for pathogenicity. These alternative changes (p.(Arg495Gly), p.(Arg495Leu), p.(Arg495Trp)) have been reported many times as pathogenic and likely pathogenic, and observed in at least twenty individuals with hypertrophic cardiomyopathy (HCM) (ClinVar). (SP) 0801 - This variant has strong previous evidence of pathogenicity in unrelated individuals. This variant has been reported over twenty times as pathogenic, and observed in many individuals with HCM (ClinVar). (SP) 1208 - Inheritance information for this variant is not currently available in this individual. (I) Legend: (SP) - Supporting pathogenic, (I) - Information, (SB) - Supporting benign

Centre of Medical Genetics, University Hospital Muenster
Classification: Pathogenic. Last evaluated: 2021-12-21. Review status: criteria provided, single submitter. Criteria: ACMG Guidelines, 2015. Collection method: clinical testing. Allele origin: unknown. Affected: yes. Observed: 1 variant allele, 1 heterozygote. Not counted in ClinVar's aggregate classification.
Comment: ACMG categories: PS5,PM1,PM2,PM5,PP3,PP5

Women's Health and Genetics/Laboratory Corporation of America, LabCorp
Classification: Pathogenic for Primary familial hypertrophic cardiomyopathy. Last evaluated: 2021-08-09. Review status: criteria provided, single submitter. Criteria: LabCorp Variant Classification Summary - May 2015. Collection method: clinical testing. Allele origin: germline. Not counted in ClinVar's aggregate classification.
Comment: Variant summary: The variant, MYBPC3 c.1484G>A (p.Arg495Gln) results in a conservative amino acid change located in the Immunoglobulin-like domain (Immunoglobulin subtype 2) and Immunoglobulin I-set domain of the encoded protein sequence. Three of five in-silico tools predict a benign effect of the variant on protein function. The variant allele was found at a frequency of 2.4e-05 in 253236 control chromosomes (gnomAD and publications) and has been reported in the literature in multiple individuals affected with Hypertrophic Cardiomyopathy (example, Helms_2014, Marsiglia_2013, Ng_2013, Lopes_2013, Millat_2010, Morita_2008, VanDriest_2004, Niimura_1998, Viswanathan_2017). In one family, this variant cosegregates with HCM in three affected family members, however, one unaffected family member whose age was above the age of onset carried this variant implying reduced penetrance or later onset (Niimura_1998). Two co-occurrences with other likely pathogenic variants (MYBPC3 p.Tyr1172fs, TNNI3 Arg141Gln) have been reported in two HCM patients, respectively (Millat_2010, Morita_2008). These data indicate that the variant is very likely to be associated with disease. Experimental evidence evaluating the impact of the variant on protein function, does not allow convincing conclusions about the variant effect (Helms_2014). However, myocardial tissue obtained from a human HCM subject that harbors the variant show molecular signatures of aberrant calcium signaling (increased Ca2+/Calmodulin dependent protein kinase II (CaMKII) activation and reduced SERCA2 (Sarcoplasmic/endoplasmic reticulum calcuium ATPase 2) mRNA levels, (Helms_2016). Experimental evidence suggest that mutations causative of HCM in both thick and thin sarcomere filaments may lead to abnormal calcium handling and increase the risk of arrhythmia in HCM (Helms_2016). Multiple ClinVar submissions from clinical diagnostic laboratories (evaluation after 2014) cites the variant as likely pathogenic/pathogenic. Based on the evidence outlined above, the variant was classified as pathogenic.

CHEO Genetics Diagnostic Laboratory, Children's Hospital of Eastern Ontario
Classification: Pathogenic for Cardiomyopathy. Last evaluated: 2021-07-08. Review status: criteria provided, single submitter. Criteria: ACMG Guidelines, 2015. Collection method: clinical testing. Allele origin: germline. Not counted in ClinVar's aggregate classification.

Revvity Omics, Revvity
Classification: Pathogenic. Last evaluated: 2021-06-05. Review status: criteria provided, single submitter. Criteria: ACMG Guidelines, 2015. Collection method: clinical testing. Allele origin: germline. Not counted in ClinVar's aggregate classification.

Laan Lab, Human Genetics Research Group, University of Tartu
Classification: Likely pathogenic for Hypertrophic cardiomyopathy 4. Last evaluated: 2021-05-01. Review status: criteria provided, single submitter. Criteria: ACMG Guidelines, 2015. Collection method: research. Allele origin: unknown. Observed: 1 variant allele, 1 heterozygote. Not counted in ClinVar's aggregate classification.

Institute of Medical Genetics and Applied Genomics, University Hospital Tübingen
Classification: Pathogenic. Last evaluated: 2020-10-23. Review status: criteria provided, single submitter. Criteria: ACMG Guidelines, 2015. Collection method: clinical testing. Allele origin: germline. Inheritance: Unknown mechanism. Affected: yes. Not counted in ClinVar's aggregate classification.

Institute of Human Genetics, University of Leipzig Medical Center
Classification: Pathogenic for Hypertrophic cardiomyopathy 4. Last evaluated: 2019-10-07. Review status: criteria provided, single submitter. Criteria: ACMG Guidelines, 2015. Collection method: clinical testing. Allele origin: germline. Affected: yes. Observed: 1 variant allele. Not counted in ClinVar's aggregate classification.

Fulgent Genetics
Classification: Pathogenic for Hypertrophic cardiomyopathy 4; Left ventricular noncompaction 10. Last evaluated: 2018-10-31. Review status: criteria provided, single submitter. Criteria: ACMG Guidelines, 2015. Collection method: clinical testing. Allele origin: unknown. Not counted in ClinVar's aggregate classification.

Institute of Human Genetics Munich, TUM University Hospital
Classification: Pathogenic for Hypertrophic cardiomyopathy 4. Last evaluated: 2018-05-23. Review status: criteria provided, single submitter. Criteria: Classification criteria August 2017. Collection method: clinical testing. Allele origin: maternal. Inheritance: Autosomal dominant inheritance. Affected: yes. Observed: 1 heterozygote. Not counted in ClinVar's aggregate classification.